The following is an entry in ClinVar:

NM_021728.4(OTX2):c.*779G>A

Gene: OTX2 (orthodenticle homeobox 2; minus strand). Cytogenetic location: 14q22.3.
Variant type: single nucleotide variant.
Coding change: c.*779G>A on transcript NM_021728.4 (MANE Select); 779 bases downstream of the stop codon, G replaced by A.
Molecular consequence: 3 prime UTR variant. On other transcripts: non-coding transcript variant (2).
Genome position (GRCh38, 1-based): chr14:56,800,956, C>T on the plus strand (G>A on the coding strand, the complement: OTX2 is on the minus strand). VCF-style: chr14-56800956-C-T. GRCh37 (hg19) VCF-style: chr14-57267674-C-T.
Other names: c.*779G>A (NM_001270523.2, NM_001270524.2, NM_001270525.2 and 1 more transcripts).
Identifiers: ClinVar variation 313409 (VCV000313409.6), dbSNP rs138197536, ClinGen allele CA10644332.

ClinVar aggregate classification (germline): Benign. Review status: criteria provided, single submitter (1 of 4 stars). 2 submissions from 1 submitter: Benign (2). Last evaluated 2018-01-12.

Conditions:
Syndromic microphthalmia type 5 (MCOPS5). Also called: RETINAL DYSTROPHY, EARLY-ONSET, WITH PITUITARY DYSFUNCTION; RETINAL DYSTROPHY, EARLY-ONSET, WITHOUT PITUITARY DYSFUNCTION. Identifiers: Orphanet 178364, MedGen C1864690, MONDO:0012413, OMIM 610125.
Pituitary hormone deficiency, combined, 6. Identifiers: MedGen C3151440, MONDO:0013518, OMIM 613986.

Allele frequency attached by ClinVar (database versions not stated): gnomAD 0.00041 and 0.00058; TOPMed 0.00066; 1000 Genomes Project 0.00319; 1000 Genomes Project 30x 0.00359.

Submissions (2):

Illumina Laboratory Services, Illumina
Classification: Benign for Pituitary hormone deficiency, combined, 6. Last evaluated: 2018-01-12. Review status: criteria provided, single submitter. Criteria: ICSL Variant Classification Criteria 13 December 2019. Collection method: clinical testing. Allele origin: germline.
Comment: This variant was observed in the ICSL laboratory as part of a predisposition screen in an ostensibly healthy population. It had not been previously curated by ICSL or reported in the Human Gene Mutation Database (HGMD: prior to June 1st, 2018), and was therefore a candidate for classification through an automated scoring system. Utilizing variant allele frequency, disease prevalence and penetrance estimates, and inheritance mode, an automated score was calculated to assess if this variant is too frequent to cause the disease. Based on the score and internal cut-off values, a variant classified as benign is not then subjected to further curation. The score for this variant resulted in a classification of benign for this disease.

Illumina Laboratory Services, Illumina
Classification: Benign for Syndromic microphthalmia type 5. Last evaluated: 2018-01-12. Review status: criteria provided, single submitter. Criteria: ICSL Variant Classification Criteria 13 December 2019. Collection method: clinical testing. Allele origin: germline.
Comment: the same text as in the submission from Illumina Laboratory Services, Illumina above.